The following is an entry in ClinVar:

ClinVar aggregate classification (germline): Uncertain significance. Review status: criteria provided, multiple submitters, no conflicts (2 of 4 stars). 2 submissions from 2 submitters: Uncertain significance (2). Last evaluated 2025-01-07.

Allele frequency attached by ClinVar (database versions not stated): gnomAD exomes 0.00001; gnomAD 0.00002; TOPMed 0.00006.
gnomAD v4.1: 24 of 1,613,568 alleles (0.0015%); highest among the groups gnomAD compares: Admixed American, 0.0083%; no homozygotes.

Submissions (2):

Labcorp Genetics (formerly Invitae), Labcorp
Classification: Uncertain significance. Last evaluated: 2025-01-07. Review status: criteria provided, single submitter. Criteria: Invitae Variant Classification Sherloc (09022015). Collection method: clinical testing. Allele origin: germline.
Comment: This sequence change replaces arginine, which is basic and polar, with histidine, which is basic and polar, at codon 1352 of the MYH7B protein (p.Arg1352His). This variant is present in population databases (no rsID available, gnomAD 0.003%). This variant has not been reported in the literature in individuals affected with MYH7B-related conditions. ClinVar contains an entry for this variant (Variation ID: 373165). Invitae Evidence Modeling of protein sequence and biophysical properties (such as structural, functional, and spatial information, amino acid conservation, physicochemical variation, residue mobility, and thermodynamic stability) indicates that this missense variant is expected to disrupt MYH7B protein function with a positive predictive value of 80%. In summary, the available evidence is currently insufficient to determine the role of this variant in disease. Therefore, it has been classified as a Variant of Uncertain Significance.

GeneDx
Classification: Uncertain significance. Last evaluated: 2016-11-29. Review status: criteria provided, single submitter. Criteria: GeneDx Variant Classification (06012015). Collection method: clinical testing. Allele origin: germline. Affected: yes.
Comment: The R1352H variant in the MYH7B gene has not been reported previously as a pathogenic variant, nor as a benign variant, to our knowledge. This variant was not observed in approximately 6,300 individuals of European and African American ancestry in the NHLBI Exome Sequencing Project, indicating it is not a common benign variant in these populations. The R1352H variant is a conservative amino acid substitution, which is not likely to impact secondary protein structure as these residues share similar properties. This substitution occurs at a position that is conserved across species, and in silico analysis predicts this variant is probably damaging to the protein structure/function. Based on currently available evidence, we interpret R1352H as a variant of uncertain significance.

NM_020884.7(MYH7B):c.3929G>A (p.Arg1310His)

Gene: MYH7B (myosin heavy chain 7B; plus strand). Cytogenetic location: 20q11.22.
Variant type: single nucleotide variant.
Coding change: c.3929G>A on transcript NM_020884.7 (MANE Select); coding-DNA position 3929, G replaced by A.
Protein change: p.Arg1310His; replaces arginine 1310 with histidine.
Molecular consequence: missense variant.
Genome position (GRCh38, 1-based): chr20:34,998,565, G>A. VCF-style: chr20-34998565-G-A. GRCh37 (hg19) VCF-style: chr20-33586368-G-A.
Other names: short protein forms R1310H.
Identifiers: ClinVar variation 373165 (VCV000373165.6), dbSNP rs1057518263, ClinGen allele CA16043102.